The following is an entry in ClinVar:

NM_020831.6(MRTFA):c.713C>T (p.Pro238Leu)

Gene: MRTFA (myocardin related transcription factor A; minus strand). Cytogenetic location: 22q13.1.
Variant type: single nucleotide variant.
Coding change: c.713C>T on transcript NM_020831.6 (MANE Select); coding-DNA position 713, C replaced by T.
Protein change: p.Pro238Leu; replaces proline 238 with leucine.
Molecular consequence: missense variant.
Genome position (GRCh38, 1-based): chr22:40,424,270, G>A on the plus strand (C>T on the coding strand, the complement: MRTFA is on the minus strand). VCF-style: chr22-40424270-G-A. GRCh37 (hg19) VCF-style: chr22-40820274-G-A.
Other names: c.413C>T, p.Pro138Leu (NM_001282660.2); c.713C>T, p.Pro238Leu (NM_001282661.3, NM_001282662.3); c.518C>T, p.Pro173Leu (NM_001318139.2); c.413C>T (NM_020831.3); short protein forms P173L, P138L, P238L.
Identifiers: ClinVar variation 1922508 (VCV001922508.8), dbSNP rs376132104, ClinGen allele CA10249895.

ClinVar aggregate classification (germline): Uncertain significance. Review status: criteria provided, multiple submitters, no conflicts (2 of 4 stars). 2 submissions from 2 submitters: Uncertain significance (2). Last evaluated 2025-12-10.

Allele frequency attached by ClinVar (database versions not stated): ExAC 0.00001; gnomAD 0.00003; 1000 Genomes Project 30x 0.00031.

Submissions (2):

Ambry Genetics
Classification: Uncertain significance. Last evaluated: 2025-12-10. Review status: criteria provided, single submitter. Criteria: Ambry Variant Classification Scheme 2023. Collection method: clinical testing. Allele origin: germline.

Labcorp Genetics (formerly Invitae), Labcorp
Classification: Uncertain significance. Last evaluated: 2025-03-27. Review status: criteria provided, single submitter. Criteria: Invitae Variant Classification Sherloc (09022015). Collection method: clinical testing. Allele origin: germline.
Comment: This sequence change replaces proline, which is neutral and non-polar, with leucine, which is neutral and non-polar, at codon 138 of the MKL1 protein (p.Pro138Leu). This variant is present in population databases (rs376132104, gnomAD 0.007%). This variant has not been reported in the literature in individuals affected with MKL1-related conditions. ClinVar contains an entry for this variant (Variation ID: 1922508). An algorithm developed to predict the effect of missense changes on protein structure and function (PolyPhen-2) suggests that this variant is likely to be disruptive. In summary, the available evidence is currently insufficient to determine the role of this variant in disease. Therefore, it has been classified as a Variant of Uncertain Significance.